The following is an entry in ClinVar:

NM_001367561.1(DOCK7):c.4491G>A (p.Thr1497=)

Gene: DOCK7 (dedicator of cytokinesis 7; minus strand). Cytogenetic location: 1p31.3.
Variant type: single nucleotide variant.
Coding change: c.4491G>A on transcript NM_001367561.1 (MANE Select); coding-DNA position 4491, G replaced by A.
Protein change: p.Thr1497=; no amino-acid change (threonine 1497 retained).
Molecular consequence: synonymous variant.
Genome position (GRCh38, 1-based): chr1:62,505,802, C>T on the plus strand (G>A on the coding strand, the complement: DOCK7 is on the minus strand). VCF-style: chr1-62505802-C-T. GRCh37 (hg19) VCF-style: chr1-62971473-C-T.
Other names: p.Thr1488=; c.4464G>A, p.Thr1488= (NM_001271999.2, NM_001330614.2); c.4371G>A, p.Thr1457= (NM_001272000.2, NM_001272001.2); c.4398G>A, p.Thr1466= (NM_033407.4).
Identifiers: ClinVar variation 771268 (VCV000771268.40), dbSNP rs373928701, ClinGen allele CA885680.
Genomic context (GRCh38, chr1:62,505,802, plus strand): 5'-ACAGGCCATGCTGTGTAGTAGCACTTTTAGCACTCCACCAAGAATGCTCTCTTTGGATTC[C>T]GTTACAGAAACGGTCTGCAATTTAAAAATAAACAAATAAAATAGAGATGTACTTGCAATT-3'
Protein context (NP_001354490.1, residues 1487-1507): LEIVVQTVSV[Thr1497=]ESKESILGGV

ClinVar aggregate classification (germline): Likely benign. Review status: criteria provided, multiple submitters, no conflicts (2 of 4 stars). 7 submissions from 7 submitters: Likely benign (6). 1 of the submissions does not count toward it. Last evaluated 2026-01-26.

Conditions:
Developmental and epileptic encephalopathy, 23 (DEE23). Also called: Epileptic encephalopathy, early infantile, 23. Identifiers: Orphanet 411986, MedGen C4014492, MONDO:0014371, OMIM 615859.
DOCK7-related disorder. Also called: DOCK7-related condition.

Allele frequency attached by ClinVar (database versions not stated): TOPMed 0.00014; gnomAD 0.00016; ESP Exome Variant Server 0.00023.
gnomAD v4.1: 394 of 1,608,614 alleles (0.024%); highest among the groups gnomAD compares: Non-Finnish European, 0.031%; no homozygotes.

Submissions (8):

Labcorp Genetics (formerly Invitae), Labcorp
Classification: Likely benign for Developmental and epileptic encephalopathy, 23. Last evaluated: 2026-01-26. Review status: criteria provided, single submitter. Criteria: Invitae Variant Classification Sherloc (09022015). Collection method: clinical testing. Allele origin: germline.

Mayo Clinic Laboratories, Mayo Clinic
Classification: Likely benign. Last evaluated: 2025-09-22. Review status: criteria provided, single submitter. Criteria: ACMG Guidelines, 2015. Collection method: clinical testing. Allele origin: germline. Observed: 1 variant allele.
Comment: BP4, BP7

CeGaT Center for Human Genetics Tuebingen
Classification: Likely benign. Last evaluated: 2025-04-01. Review status: criteria provided, single submitter. Criteria: CeGaT Center For Human Genetics Tuebingen Variant Classification Criteria Version 2. Collection method: clinical testing. Allele origin: germline. Affected: yes. Observed: 3 variant alleles.
Comment: DOCK7: BP4, BP7

Blueprint Genetics
Classification: Likely benign. Last evaluated: 2024-10-11. Review status: criteria provided, single submitter. Criteria: ACMG Guidelines, 2015. Collection method: clinical testing. Allele origin: germline.

Genome-Nilou Lab
Classification: Likely benign for Developmental and epileptic encephalopathy, 23. Last evaluated: 2023-04-11. Review status: criteria provided, single submitter. Criteria: ACMG Guidelines, 2015. Collection method: clinical testing. Allele origin: germline. Affected: no.

Fulgent Genetics
Classification: Likely benign for Developmental and epileptic encephalopathy, 23. Last evaluated: 2021-08-04. Review status: criteria provided, single submitter. Criteria: ACMG Guidelines, 2015. Collection method: clinical testing. Allele origin: unknown.

PreventionGenetics, part of Exact Sciences
Classification: Likely benign for DOCK7-related condition. Last evaluated: 2023-09-13. Review status: no assertion criteria provided. Collection method: clinical testing. Allele origin: germline. Not counted in ClinVar's aggregate classification.
Comment: This variant is classified as likely benign based on ACMG/AMP sequence variant interpretation guidelines (Richards et al. 2015 PMID: 25741868, with internal and published modifications).

Dr. Peter K. Rogan Lab, Western University
No classification provided (evidence only). Condition: Colorectal cancer. Review status: no classification provided. Collection method: in vitro. Allele origin: not applicable. Functional consequence: retained intron. Not counted in ClinVar's aggregate classification.